The following is an entry in ClinVar:

NM_000051.4(ATM):c.3898T>C (p.Tyr1300His)

Gene: ATM (ATM serine/threonine kinase; plus strand). Cytogenetic location: 11q22.3.
Variant type: single nucleotide variant.
Coding change: c.3898T>C on transcript NM_000051.4 (MANE Select); coding-DNA position 3898, T replaced by C.
Protein change: p.Tyr1300His; replaces tyrosine 1300 with histidine.
Molecular consequence: missense variant.
Genome position (GRCh38, 1-based): chr11:108,284,378, T>C. VCF-style: chr11-108284378-T-C. GRCh37 (hg19) VCF-style: chr11-108155105-T-C.
Other names: c.3898T>C, p.Tyr1300His (NM_001351834.2); short protein forms Y1300H.
Identifiers: ClinVar variation 646635 (VCV000646635.11), dbSNP rs1591646097, ClinGen allele CA382525581.

ClinVar aggregate classification (germline): Conflicting classifications of pathogenicity. Review status: criteria provided, conflicting classifications (1 of 4 stars). 2 submissions from 2 submitters: Uncertain significance (1); Likely benign (1). Last evaluated 2025-07-18.

Conditions:
Ataxia-telangiectasia syndrome (AT). Also called: ATAXIA-TELANGIECTASIA, FRESNO VARIANT; Ataxia-telangiectasia, complementation group E; Ataxia telangiectasia (A-T); Cerebello-oculocutaneous telangiectasia; Immunodeficiency with ataxia telangiectasia; LOUIS-BAR SYNDROME. Identifiers: Orphanet 100, MedGen C0004135, MONDO:0008840, OMIM 208900.
Hereditary cancer-predisposing syndrome. Also called: Hereditary Cancer Syndrome; Tumor predisposition; Neoplastic Syndromes, Hereditary; Hereditary neoplastic syndrome. Identifiers: Orphanet 140162, MedGen C0027672, MeSH D009386, MONDO:0015356.

Submissions (2):

Ambry Genetics
Classification: Uncertain significance for Hereditary cancer-predisposing syndrome. Last evaluated: 2025-07-18. Review status: criteria provided, single submitter. Criteria: Ambry Variant Classification Scheme 2023. Collection method: clinical testing. Allele origin: germline.
Comment: The p.Y1300H variant (also known as c.3898T>C), located in coding exon 25 of the ATM gene, results from a T to C substitution at nucleotide position 3898. The tyrosine at codon 1300 is replaced by histidine, an amino acid with similar properties. This amino acid position is conserved. In addition, this alteration is predicted to be tolerated by in silico analysis. Based on the available evidence, the clinical significance of this variant remains unclear.

Labcorp Genetics (formerly Invitae), Labcorp
Classification: Likely benign for Ataxia-telangiectasia syndrome. Last evaluated: 2025-01-13. Review status: criteria provided, single submitter. Criteria: Invitae Variant Classification Sherloc (09022015). Collection method: clinical testing. Allele origin: germline.